The following is an entry in ClinVar:

ClinVar aggregate classification (germline): Uncertain significance. Review status: criteria provided, multiple submitters, no conflicts (2 of 4 stars). 2 submissions from 2 submitters: Uncertain significance (2). Last evaluated 2025-04-15.

Allele frequency attached by ClinVar (database versions not stated): gnomAD 0.00001; ExAC 0.00004.
gnomAD v4.1: 59 of 1,607,014 alleles (0.0037%); highest among the groups gnomAD compares: South Asian, 0.064%; no homozygotes.

Submissions (2):

Ambry Genetics
Classification: Uncertain significance. Last evaluated: 2025-04-15. Review status: criteria provided, single submitter. Criteria: Ambry Variant Classification Scheme 2023. Collection method: clinical testing. Allele origin: germline.

Labcorp Genetics (formerly Invitae), Labcorp
Classification: Uncertain significance. Last evaluated: 2024-10-05. Review status: criteria provided, single submitter. Criteria: Invitae Variant Classification Sherloc (09022015). Collection method: clinical testing. Allele origin: germline.
Comment: This sequence change replaces cysteine, which is neutral and slightly polar, with tyrosine, which is neutral and polar, at codon 4773 of the HMCN1 protein (p.Cys4773Tyr). This variant is present in population databases (rs773474305, gnomAD 0.06%), and has an allele count higher than expected for a pathogenic variant. This variant has not been reported in the literature in individuals affected with HMCN1-related conditions. ClinVar contains an entry for this variant (Variation ID: 1936800). An algorithm developed to predict the effect of missense changes on protein structure and function (PolyPhen-2) suggests that this variant is likely to be disruptive. In summary, the available evidence is currently insufficient to determine the role of this variant in disease. Therefore, it has been classified as a Variant of Uncertain Significance.

NM_031935.3(HMCN1):c.14318G>A (p.Cys4773Tyr)

Gene: HMCN1 (hemicentin 1; plus strand). Cytogenetic location: 1q31.1.
Variant type: single nucleotide variant.
Coding change: c.14318G>A on transcript NM_031935.3 (MANE Select); coding-DNA position 14318, G replaced by A.
Protein change: p.Cys4773Tyr; replaces cysteine 4773 with tyrosine.
Molecular consequence: missense variant.
Genome position (GRCh38, 1-based): chr1:186,145,454, G>A. VCF-style: chr1-186145454-G-A. GRCh37 (hg19) VCF-style: chr1-186114586-G-A.
Other names: c.14318G>A (NM_031935.2); short protein forms C4773Y.
Identifiers: ClinVar variation 1936800 (VCV001936800.6), dbSNP rs773474305, ClinGen allele CA1294920.